The following is an entry in ClinVar:

NM_001276345.2(TNNT2):c.436G>A (p.Glu146Lys)

Gene: TNNT2 (troponin T2, cardiac type; minus strand). Cytogenetic location: 1q32.1.
Variant type: single nucleotide variant.
Coding change: c.436G>A on transcript NM_001276345.2 (MANE Select); coding-DNA position 436, G replaced by A.
Protein change: p.Glu146Lys; replaces glutamic acid 146 with lysine.
Molecular consequence: missense variant.
Genome position (GRCh38, 1-based): chr1:201,364,351, C>T on the plus strand (G>A on the coding strand, the complement: TNNT2 is on the minus strand). VCF-style: chr1-201364351-C-T. GRCh37 (hg19) VCF-style: chr1-201333479-C-T.
Other names: c.436G>A, p.Glu146Lys (NM_000364.4); c.406G>A, p.Glu136Lys (NM_001001430.3, NM_001001431.3, NM_001276347.2); c.391G>A, p.Glu131Lys (NM_001001432.3); c.316G>A, p.Glu106Lys (NM_001276346.2); short protein forms E136K, E146K, E131K, E106K.
Identifiers: ClinVar variation 180552 (VCV000180552.20), dbSNP rs371142225, ClinGen allele CA028716.
Genomic context (GRCh38, chr1:201,364,351, plus strand): 5'-CACTCACAGCCAGGCGGTTCTGCCGCTCCTTCTCCCGCTCATTCCGGATGCGCTGCTGCT[C>T]GGCCCGCTCTGCCCGACGTCTCTCCTAAGGAGAAGAGGCAAAGCCCACCCAGGTGTGCAT-3'
Protein context (NP_001263274.1, residues 136-156): RIERRRAERA[Glu146Lys]QQRIRNEREK

ClinVar aggregate classification (germline): Uncertain significance. Review status: criteria provided, multiple submitters, no conflicts (2 of 4 stars). 8 submissions from 6 submitters: Uncertain significance (8). Last evaluated 2025-12-31.

Conditions:
Cardiovascular phenotype. Identifiers: MedGen CN230736.
Dilated cardiomyopathy 1D. Identifiers: Orphanet 154, Orphanet 54260, MedGen C1832243, MONDO:0011095, OMIM 601494.
Cardiomyopathy, familial restrictive, 3. Identifiers: Orphanet 75249, MedGen C2676271, MONDO:0012900, OMIM 612422.
Hypertrophic cardiomyopathy 2. Also called: TNNT2-Related Familial Hypertrophic Cardiomyopathy. Identifiers: MedGen C1861864, MONDO:0007266, OMIM 115195.
Cardiomyopathy (CMYO). Also called: Cardiomyopathies. Identifiers: Orphanet 167848, MedGen C0878544, MONDO:0004994, HP:0001638. Inheritance: Various modes of inheritance.

Allele frequency attached by ClinVar (database versions not stated): TOPMed 0.00003; gnomAD exomes 0.00001; gnomAD 0.00001 and 0.00003; ESP Exome Variant Server 0.00008.
gnomAD v4.1: 10 of 1,613,104 alleles (0.00062%); highest among the groups gnomAD compares: Non-Finnish European, 0.00085%; no homozygotes.

Submissions (8):

Labcorp Genetics (formerly Invitae), Labcorp
Classification: Uncertain significance for Cardiomyopathy, familial restrictive, 3; Hypertrophic cardiomyopathy 2; Dilated cardiomyopathy 1D. Last evaluated: 2025-12-31. Review status: criteria provided, single submitter. Criteria: Invitae Variant Classification Sherloc (09022015). Collection method: clinical testing. Allele origin: germline.
Comment: This sequence change replaces glutamic acid, which is acidic and polar, with lysine, which is basic and polar, at codon 136 of the TNNT2 protein (p.Glu136Lys). The frequency data for this variant in the population databases is considered unreliable, as metrics indicate poor data quality at this position in the gnomAD database. This missense change has been observed in individuals with clinical features of TNNT2-related conditions (PMID: 18467357, 28416588, 32659924, 36396199). This variant is also known as c.391G>A (p.E131K). ClinVar contains an entry for this variant (Variation ID: 180552). Invitae Evidence Modeling of protein sequence and biophysical properties (such as structural, functional, and spatial information, amino acid conservation, physicochemical variation, residue mobility, and thermodynamic stability) has been performed for this missense variant. However, the output from this modeling did not meet the statistical confidence thresholds required to predict the impact of this variant on TNNT2 protein function. Experimental studies have shown that this missense change affects TNNT2 function (PMID: 32690703). In summary, the available evidence is currently insufficient to determine the role of this variant in disease. Therefore, it has been classified as a Variant of Uncertain Significance.

Ambry Genetics
Classification: Uncertain significance for Cardiovascular phenotype. Last evaluated: 2025-07-02. Review status: criteria provided, single submitter. Criteria: Ambry Variant Classification Scheme 2023. Collection method: clinical testing. Allele origin: germline.
Comment: The p.E136K variant (also known as c.406G>A), located in coding exon 9 of the TNNT2 gene, results from a G to A substitution at nucleotide position 406. The glutamic acid at codon 136 is replaced by lysine, an amino acid with similar properties. This variant (also referred to as p.E131K) has been detected individuals from dilated cardiomyopathy cohorts, and in a proband with restrictive cardiomyopathy as well as two clinically unaffected relatives (Kaski JP et al. Heart. 2008;94:1478-84; Dal Ferro M et al. Heart. 2017;103:1704-1710; Kolokotronis K et al. J Clin Med. 2020 Jul;9(7)). In studies of drosophila and rat cardiomyocytes expressing this variant, some disease features were recapitulated (Madan A et al. Proc Natl Acad Sci U S A . 2020 Aug;117(31):18822-18831). This amino acid position is highly conserved in available vertebrate species. In addition, this alteration is predicted to be deleterious by in silico analysis. Since supporting evidence is limited at this time, the clinical significance of this alteration remains unclear.

GeneDx
Classification: Uncertain significance. Last evaluated: 2024-07-24. Review status: criteria provided, single submitter. Criteria: GeneDx Variant Classification Process June 2021. Collection method: clinical testing. Allele origin: germline. Affected: yes.
Comment: Identified in individuals with restrictive cardiomyopathy (RCM), hypertrophic cardiomyopathy (HCM), and dilated cardiomyopathy (DCM) in the published literature (PMID: 36396199, 31514951, 18467357, 20031618, 28416588, 32659924); Not observed at significant frequency in large population cohorts (gnomAD); Published in vitro functional studies suggest a damaging effect as this variant causes impaired relaxation and reduced contractile inhibition resulting in cardiac dysfunction in animal models and human cardiomyocytes (PMID: 32690703); In silico analysis supports that this missense variant has a deleterious effect on protein structure/function; Also known as p.(E131K); This variant is associated with the following publications: (PMID: 20031618, 28416588, 32659924, 33429969, 36396199, 18467357, 31514951, 32690703, Yang2022[article])

All of Us Research Program, National Institutes of Health
Classification: Uncertain significance for Cardiomyopathy. Last evaluated: 2024-07-20. Review status: criteria provided, single submitter. Criteria: ACMG Guidelines, 2015. Collection method: clinical testing. Allele origin: germline. Inheritance: Autosomal dominant inheritance. Observed: 10 variant alleles, 10 heterozygotes.
Comment: This missense variant replaces glutamic acid with lysine at codon 136 in the tropomyosin binding domain of the TNNT2 protein. Computational prediction suggests that this variant may have a deleterious impact on protein structure and function (internally defined REVEL score threshold >= 0.7, PMID: 27666373). An experimental functional study has shown that this variant may affect the actin-myosin interactions in in vitro motility assay and affect the heart function in transgenic Drosophila model (PMID: 32690703; Madan et al., 2019). However, clinical relevance of these observations is not clear. This variant has been reported in individuals affected with dilated cardiomyopathy (PMID: 28416588, 32659924). This variant has also been reported in an individual affected with restrictive cardiomyopathy, as well as in an unaffected parent and sibling (PMID: 18467357). This variant has been identified in 3/281494 chromosomes in the general population by the Genome Aggregation Database (gnomAD). The available evidence is insufficient to determine the role of this variant in disease conclusively. Therefore, this variant is classified as a Variant of Uncertain Significance.

This study involves interpretation of variants in research participants for the purpose of population health screening. Participant phenotype was not available at the time of variant classification. Additional details can be found in publication PMID: 35346344, PMCID: PMC8962531

Color Diagnostics, LLC DBA Color Health
Classification: Uncertain significance for Cardiomyopathy. Last evaluated: 2024-07-11. Review status: criteria provided, single submitter. Criteria: ACMG Guidelines, 2015. Collection method: clinical testing. Allele origin: germline.
Comment: This missense variant replaces glutamic acid with lysine at codon 136 in the tropomyosin binding domain of the TNNT2 protein. Computational prediction tools indicate that this variant has a deleterious impact on protein structure and function. In an experimental Drosophila knock-in model, animals expressing this variant demonstrated severe diastolic dysfunction and hypercontraction of indirect flight muscle myofibrils (PMID: 32690703). This variant has been reported in individuals affected with dilated cardiomyopathy (PMID: 28416588, 32659924). This variant has also been reported in an individual affected with restrictive cardiomyopathy, as well as in an unaffected parent and sibling (PMID: 18467357). This variant has been identified in 3/281494 chromosomes in the general population by the Genome Aggregation Database (gnomAD). The available evidence is insufficient to determine the role of this variant in disease conclusively. Therefore, this variant is classified as a Variant of Uncertain Significance.

Genome-Nilou Lab
Classification: Uncertain significance for Dilated cardiomyopathy 1D. Last evaluated: 2023-04-11. Review status: criteria provided, single submitter. Criteria: ACMG Guidelines, 2015. Collection method: clinical testing. Allele origin: germline. Affected: no.

Genome-Nilou Lab
Classification: Uncertain significance for Cardiomyopathy, familial restrictive, 3. Last evaluated: 2023-04-11. Review status: criteria provided, single submitter. Criteria: ACMG Guidelines, 2015. Collection method: clinical testing. Allele origin: germline. Affected: no.

Genome-Nilou Lab
Classification: Uncertain significance for Hypertrophic cardiomyopathy 2. Last evaluated: 2023-04-11. Review status: criteria provided, single submitter. Criteria: ACMG Guidelines, 2015. Collection method: clinical testing. Allele origin: germline. Affected: no.

Literature cited by the submitters: PubMed 18467357 (cited by 4 submitters); PubMed 28416588 (cited by 4 submitters); PubMed 32659924 (cited by 4 submitters); PubMed 36396199 (cited by Labcorp Genetics (formerly Invitae), Labcorp); PubMed 32690703 (cited by 4 submitters).